The following is an entry in ClinVar:

ClinVar aggregate classification (germline): Uncertain significance (1 of 4 stars; one submission).

Submission:

GeneDx
Classification: Uncertain significance. Last evaluated: 2024-01-12. Review status: criteria provided, single submitter. Criteria: GeneDx Variant Classification Process June 2021. Collection method: clinical testing. Allele origin: germline. Affected: yes.
Comment: Not observed at significant frequency in large population cohorts (gnomAD); In silico analysis supports that this missense variant has a deleterious effect on protein structure/function; Has not been previously published as pathogenic or benign to our knowledge

NM_000334.4(SCN4A):c.2186G>A (p.Cys729Tyr)

Genes: GH-LCR (growth hormone locus control region; plus strand), SCN4A (sodium voltage-gated channel alpha subunit 4; minus strand). Cytogenetic location: 17q23.3.
Variant type: single nucleotide variant.
Coding change: c.2186G>A on transcript NM_000334.4 (MANE Select); coding-DNA position 2186, G replaced by A.
Protein change: p.Cys729Tyr; replaces cysteine 729 with tyrosine.
Molecular consequence: missense variant.
Genome position (GRCh38, 1-based): chr17:63,957,352, C>T on the plus strand (G>A on the coding strand, the complement: SCN4A is on the minus strand). VCF-style: chr17-63957352-C-T. GRCh37 (hg19) VCF-style: chr17-62034712-C-T.
Other names: short protein forms C729Y.
Identifiers: ClinVar variation 3367850 (VCV003367850.1).